The following is an entry in ClinVar:

ClinVar aggregate classification (germline): Pathogenic. Review status: no assertion criteria provided (0 of 4 stars). 2 submissions from 2 submitters: Pathogenic (2). Last evaluated 2013-08-29.

Conditions:
Holoprosencephaly 3 (HPE3). Identifiers: Orphanet 2162, MedGen C1840529, MONDO:0007733, OMIM 142945.

Submissions (2):

GeneReviews
Classification: Pathogenic for Holoprosencephaly. Last evaluated: 2013-08-29. Review status: no assertion criteria provided. Collection method: curation. Allele origin: unknown.
ClinVar note: Converted during submission from pathologic to Pathogenic.

OMIM
Classification: Pathogenic for HOLOPROSENCEPHALY 3. Last evaluated: 2005-11-22. Review status: no assertion criteria provided. Collection method: literature only. Allele origin: germline.

Literature cited by the submitters: PubMed 8896572 (cited by OMIM); PubMed 16282375 (cited by OMIM).

NM_000193.4(SHH):c.91G>A (p.Gly31Arg)

Gene: SHH (sonic hedgehog signaling molecule; minus strand). Cytogenetic location: 7q36.3.
Variant type: single nucleotide variant.
Coding change: c.91G>A on transcript NM_000193.4 (MANE Select); coding-DNA position 91, G replaced by A.
Protein change: p.Gly31Arg; replaces glycine 31 with arginine.
Molecular consequence: missense variant.
Genome position (GRCh38, 1-based): chr7:155,812,032, C>T on the plus strand (G>A on the coding strand, the complement: SHH is on the minus strand). VCF-style: chr7-155812032-C-T. GRCh37 (hg19) VCF-style: chr7-155604726-C-T.
Other names: c.91G>A; short protein forms G31R.
Identifiers: ClinVar variation 8877 (VCV000008877.3), dbSNP rs28936675, ClinGen allele CA340826.